The following is an entry in ClinVar:

NM_133433.4(NIPBL):c.1208C>T (p.Thr403Ile)

Gene: NIPBL (NIPBL cohesin loading factor; plus strand). Cytogenetic location: 5p13.2.
Variant type: single nucleotide variant.
Coding change: c.1208C>T on transcript NM_133433.4 (MANE Select); coding-DNA position 1208, C replaced by T.
Protein change: p.Thr403Ile; replaces threonine 403 with isoleucine.
Molecular consequence: missense variant.
Genome position (GRCh38, 1-based): chr5:36,976,115, C>T. VCF-style: chr5-36976115-C-T. GRCh37 (hg19) VCF-style: chr5-36976217-C-T.
Other names: c.1208C>T, p.Thr403Ile (NM_015384.5); short protein forms T403I.
Identifiers: ClinVar variation 353372 (VCV000353372.8), dbSNP rs746183321, ClinGen allele CA3235991.

ClinVar aggregate classification (germline): Conflicting classifications of pathogenicity. Review status: criteria provided, conflicting classifications (1 of 4 stars). 2 submissions from 2 submitters: Uncertain significance (1); Likely benign (1). Last evaluated 2024-01-11.

Conditions:
Cornelia de Lange syndrome 1 (CDLS1). Also called: Brachmann de Lange syndrome; NIPBL-Related Cornelia de Lange Syndrome; TYPUS DEGENERATIVUS AMSTELODAMENSIS. Identifiers: Orphanet 199, MedGen C4551851, MONDO:0007387, OMIM 122470.

Allele frequency attached by ClinVar (database versions not stated): gnomAD below 0.00001 and 0.00001; ExAC 0.00002; gnomAD exomes 0.00002 and 0.00003.
gnomAD v4.1: 29 of 1,613,984 alleles (0.0018%); highest among the groups gnomAD compares: Middle Eastern, 0.049%; 1 homozygote.

Submissions (2):

Labcorp Genetics (formerly Invitae), Labcorp
Classification: Uncertain significance for Cornelia de Lange syndrome 1. Last evaluated: 2024-01-11. Review status: criteria provided, single submitter. Criteria: Invitae Variant Classification Sherloc (09022015). Collection method: clinical testing. Allele origin: germline.
Comment: This sequence change replaces threonine, which is neutral and polar, with isoleucine, which is neutral and non-polar, at codon 403 of the NIPBL protein (p.Thr403Ile). This variant is present in population databases (rs746183321, gnomAD 0.02%), including at least one homozygous and/or hemizygous individual. This variant has not been reported in the literature in individuals affected with NIPBL-related conditions. ClinVar contains an entry for this variant (Variation ID: 353372). Advanced modeling of protein sequence and biophysical properties (such as structural, functional, and spatial information, amino acid conservation, physicochemical variation, residue mobility, and thermodynamic stability) has been performed at Invitae for this missense variant, however the output from this modeling did not meet the statistical confidence thresholds required to predict the impact of this variant on NIPBL protein function. In summary, the available evidence is currently insufficient to determine the role of this variant in disease. Therefore, it has been classified as a Variant of Uncertain Significance.

Illumina Laboratory Services, Illumina
Classification: Likely benign for Cornelia de Lange syndrome 1. Last evaluated: 2018-01-12. Review status: criteria provided, single submitter. Criteria: ICSL Variant Classification Criteria 13 December 2019. Collection method: clinical testing. Allele origin: germline.
Comment: This variant was observed in the ICSL laboratory as part of a predisposition screen in an ostensibly healthy population. It had not been previously curated by ICSL or reported in the Human Gene Mutation Database (HGMD: prior to June 1st, 2018), and was therefore a candidate for classification through an automated scoring system. Utilizing variant allele frequency, disease prevalence and penetrance estimates, and inheritance mode, an automated score was calculated to assess if this variant is too frequent to cause the disease. Based on the score and internal cut-off values, a variant classified as likely benign is not then subjected to further curation. The score for this variant resulted in a classification of likely benign for this disease.